The following is an entry in ClinVar:

NM_020247.5(COQ8A):c.1677C>A (p.His559Gln)

Gene: COQ8A (coenzyme Q8A; plus strand). Cytogenetic location: 1q42.13.
Variant type: single nucleotide variant.
Coding change: c.1677C>A on transcript NM_020247.5 (MANE Select); coding-DNA position 1677, C replaced by A.
Protein change: p.His559Gln; replaces histidine 559 with glutamine.
Molecular consequence: missense variant.
Genome position (GRCh38, 1-based): chr1:226,986,470, C>A. VCF-style: chr1-226986470-C-A. GRCh37 (hg19) VCF-style: chr1-227174171-C-A.
Other names: short protein forms H559Q.
Identifiers: ClinVar variation 423260 (VCV000423260.9), dbSNP rs200963031, ClinGen allele CA16617078.

ClinVar aggregate classification (germline): Uncertain significance. Review status: criteria provided, multiple submitters, no conflicts (2 of 4 stars). 2 submissions from 2 submitters: Uncertain significance (2). Last evaluated 2021-04-09.

Submissions (2):

Labcorp Genetics (formerly Invitae), Labcorp
Classification: Uncertain significance. Last evaluated: 2021-04-09. Review status: criteria provided, single submitter. Criteria: Invitae Variant Classification Sherloc (09022015). Collection method: clinical testing. Allele origin: germline.
Comment: In summary, the available evidence is currently insufficient to determine the role of this variant in disease. Therefore, it has been classified as a Variant of Uncertain Significance. Advanced modeling of protein sequence and biophysical properties (such as structural, functional, and spatial information, amino acid conservation, physicochemical variation, residue mobility, and thermodynamic stability) performed at Invitae indicates that this missense variant is expected to disrupt COQ8A protein function. This variant has not been reported in the literature in individuals with COQ8A-related conditions. ClinVar contains an entry for this variant (Variation ID: 423260). This variant is not present in population databases (ExAC no frequency). This sequence change replaces histidine with glutamine at codon 559 of the COQ8A protein (p.His559Gln). The histidine residue is highly conserved and there is a small physicochemical difference between histidine and glutamine.

GeneDx
Classification: Uncertain significance. Last evaluated: 2017-02-10. Review status: criteria provided, single submitter. Criteria: GeneDx Variant Classification (06012015). Collection method: clinical testing. Allele origin: germline. Affected: yes.
Comment: The H559Q variant has not been published as a pathogenic variant, nor has it been reported as a benign variant to our knowledge. The H559Q variant is not observed in large population cohorts (Lek et al., 2016; 1000 Genomes Consortium et al., 2015; Exome Variant Server). The H559Q variant is a semi-conservative amino acid substitution, which may impact secondary protein structure as these residues differ in some properties. This substitution occurs at a position that is conserved across species. In silico analysis predicts this variant is probably damaging to the protein structure/function. In summary, based on the currently available information, it is unclear whether this variant is a pathogenic variant or a rare benign variant.